The following is an entry in ClinVar:

NM_014822.4(SEC24D):c.113dup (p.Thr39fs)

Gene: SEC24D (SEC24 homolog D, COPII component; minus strand). Cytogenetic location: 4q26.
Variant type: Duplication.
Coding change: c.113dup on transcript NM_014822.4 (MANE Select); coding-DNA position 113, one base duplicated (C; older notation c.113dupC).
Protein change: p.Thr39fs; shifts the reading frame from threonine 39.
Molecular consequence: frameshift variant.
Genome position (GRCh38, 1-based): chr4:118,833,584, G duplicated on the plus strand (C on the coding strand, the reverse complement: SEC24D is on the minus strand); the first of 2 consecutive G bases (chr4:118,833,584-118,833,585); duplicating either gives the same sequence. VCF-style (leftmost placement, unchanged base first): chr4-118833583-T-TG. GRCh37 (hg19) VCF-style: chr4-119754738-T-TG.
Other names: c.113dup, p.Thr39fs (NM_001318066.2); short protein forms T39fs.
Identifiers: ClinVar variation 638178 (VCV000638178.4), dbSNP rs759594785, ClinGen allele CA3057647.
Genomic context (GRCh38, chr4:118,833,583, plus strand): 5'-TGTCTCTGAGCCTGAGAACTGAATAATCACATACAAGTCAAAATAACACACTGTACCTGT[T>TG]GGAGATGCTGTGTGCGACGGATCCCCATAGTGCCCATAATGAGGTGGAGAAAGGCCTATT-3'

ClinVar aggregate classification (germline): Pathogenic. Review status: criteria provided, multiple submitters, no conflicts (2 of 4 stars). 3 submissions from 3 submitters: Pathogenic (2). 1 of the submissions does not count toward it. Last evaluated 2026-01-29.

Conditions:
Cole-Carpenter syndrome 2 (CLCRP2). Identifiers: Orphanet 2050, MedGen C4225382, MONDO:0014573, OMIM 616294.

Submissions (3):

Labcorp Genetics (formerly Invitae), Labcorp
Classification: Pathogenic. Last evaluated: 2026-01-29. Review status: criteria provided, single submitter. Criteria: Invitae Variant Classification Sherloc (09022015). Collection method: clinical testing. Allele origin: germline.
Comment: This sequence change creates a premature translational stop signal (p.Thr39Asnfs*16) in the SEC24D gene. It is expected to result in an absent or disrupted protein product. Loss-of-function variants in SEC24D are known to be pathogenic (PMID: 25683121, 30462379). This variant is present in population databases (rs759594785, gnomAD 0.02%). This premature translational stop signal has been observed in individual(s) with osteogenesis imperfecta (PMID: 26467156). ClinVar contains an entry for this variant (Variation ID: 638178). For these reasons, this variant has been classified as Pathogenic.

Juno Genomics, Hangzhou Juno Genomics, Inc
Classification: Pathogenic for Cole-Carpenter syndrome 2. Review status: criteria provided, single submitter. Criteria: ACMG Guidelines, 2015. Collection method: clinical testing. Allele origin: germline.
Comment: Absent from controls (or at extremely low frequency if recessive) in Genome Aggregation Database.;Null variant in a gene where loss of function (LOF) is a known mechanism of disease.;Patient's phenotype or family history is highly specific for a disease with a single genetic etiology.

OMIM
Classification: Pathogenic for COLE-CARPENTER SYNDROME 2. Last evaluated: 2019-07-26. Review status: no assertion criteria provided. Collection method: literature only. Allele origin: germline. Not counted in ClinVar's aggregate classification.

Literature cited by the submitters: PubMed 25683121 (cited by Labcorp Genetics (formerly Invitae), Labcorp); PubMed 30462379 (cited by Labcorp Genetics (formerly Invitae), Labcorp); PubMed 26467156 (cited by Labcorp Genetics (formerly Invitae), Labcorp and OMIM).